The following is an entry in ClinVar:

ClinVar aggregate classification (germline): Uncertain significance (1 of 4 stars; one submission).

gnomAD v4.1: 11 of 1,613,874 alleles (0.00068%); highest among the groups gnomAD compares: Non-Finnish European, 0.00076%; no homozygotes.

Submission:

Labcorp Genetics (formerly Invitae), Labcorp
Classification: Uncertain significance. Last evaluated: 2024-08-21. Review status: criteria provided, single submitter. Criteria: Invitae Variant Classification Sherloc (09022015). Collection method: clinical testing. Allele origin: germline.
Comment: This sequence change replaces threonine, which is neutral and polar, with isoleucine, which is neutral and non-polar, at codon 466 of the ADCY10 protein (p.Thr466Ile). This variant is present in population databases (rs765122293, gnomAD 0.0009%). This variant has not been reported in the literature in individuals affected with ADCY10-related conditions. An algorithm developed to predict the effect of missense changes on protein structure and function (PolyPhen-2) suggests that this variant is likely to be tolerated. In summary, the available evidence is currently insufficient to determine the role of this variant in disease. Therefore, it has been classified as a Variant of Uncertain Significance.

NM_018417.6(ADCY10):c.1397C>T (p.Thr466Ile)

Genes: ADCY10 (adenylate cyclase 10; minus strand), DCAF6 (DDB1 and CUL4 associated factor 6; plus strand). Cytogenetic location: 1q24.2.
Variant type: single nucleotide variant.
Coding change: c.1397C>T on transcript NM_018417.6 (MANE Select); coding-DNA position 1397, C replaced by T.
Protein change: p.Thr466Ile; replaces threonine 466 with isoleucine.
Molecular consequence: missense variant.
Genome position (GRCh38, 1-based): chr1:167,878,455, G>A on the plus strand (C>T on the coding strand, the complement: ADCY10 is on the minus strand). VCF-style: chr1-167878455-G-A. GRCh37 (hg19) VCF-style: chr1-167847693-G-A.
Other names: c.938C>T, p.Thr313Ile (NM_001167749.3); c.1121C>T, p.Thr374Ile (NM_001297772.2); short protein forms T313I, T374I, T466I.
Identifiers: ClinVar variation 3621054 (VCV003621054.2).